The following is an entry in ClinVar:

ClinVar aggregate classification (germline): Uncertain significance (1 of 4 stars; one submission).

Allele frequency attached by ClinVar (database versions not stated): gnomAD exomes below 0.00001; 1000 Genomes Project 30x 0.00031; gnomAD 0.00001.
gnomAD v4.1: 5 of 1,549,038 alleles (0.00032%); highest among the groups gnomAD compares: South Asian, 0.006%; no homozygotes.

Submission:

Labcorp Genetics (formerly Invitae), Labcorp
Classification: Uncertain significance. Last evaluated: 2025-06-04. Review status: criteria provided, single submitter. Criteria: Invitae Variant Classification Sherloc (09022015). Collection method: clinical testing. Allele origin: germline.
Comment: This sequence change falls in intron 7 of the TBX20 gene. It does not directly change the encoded amino acid sequence of the TBX20 protein. It affects a nucleotide within the consensus splice site. This variant is present in population databases (no rsID available, gnomAD 0.004%). This variant has not been reported in the literature in individuals affected with TBX20-related conditions. ClinVar contains an entry for this variant (Variation ID: 2992676). Variants that disrupt the consensus splice site are a relatively common cause of aberrant splicing (PMID: 17576681, 9536098). Algorithms developed to predict the effect of sequence changes on RNA splicing suggest that this variant is not likely to affect RNA splicing. In summary, the available evidence is currently insufficient to determine the role of this variant in disease. Therefore, it has been classified as a Variant of Uncertain Significance.

Literature cited by the submitters: PubMed 17576681; PubMed 9536098.

NM_001077653.2(TBX20):c.1004-3C>T

Gene: TBX20 (T-box transcription factor 20; minus strand). Cytogenetic location: 7p14.2.
Variant type: single nucleotide variant.
Coding change: c.1004-3C>T on transcript NM_001077653.2 (MANE Select); 3 bases into the intron before coding-DNA position 1004, C replaced by T.
Molecular consequence: intron variant.
Genome position (GRCh38, 1-based): chr7:35,202,773, G>A on the plus strand (C>T on the coding strand, the complement: TBX20 is on the minus strand). VCF-style: chr7-35202773-G-A. GRCh37 (hg19) VCF-style: chr7-35242385-G-A.
Identifiers: ClinVar variation 2992676 (VCV002992676.3), dbSNP rs1484676351, ClinGen allele CA574230043.
Genomic context (GRCh38, chr7:35,202,773, plus strand): 5'-GAAGAAGATGATACCCAGGAGCTGAGAGACAAATTATCAGATGTTGTAAAGGCTGACCCT[G>A]TAAGGAAAAACACTCATTAGACTGGAAACACTGTGTCAATGTACAGATCAAGAATTAAAT-3'